The following is an entry in ClinVar:

ClinVar aggregate classification (germline): Uncertain significance. Review status: criteria provided, multiple submitters, no conflicts (2 of 4 stars). 3 submissions from 3 submitters: Uncertain significance (2). 1 of the submissions does not count toward it. Last evaluated 2024-05-15.

Conditions:
Deficiency of guanidinoacetate methyltransferase (CCDS2). Also called: GAMT DEFICIENCY; Guanidinoacetate Methyltransferase (GAMT) Deficiency; CEREBRAL CREATINE DEFICIENCY SYNDROME 2. Identifiers: Orphanet 382, MedGen C0574080, MONDO:0012999, OMIM 612736.
Cerebral creatine deficiency syndrome. Also called: Creatine deficiency syndromes. Identifiers: Orphanet 79172, MedGen C5244016, MONDO:0000456.

Allele frequency attached by ClinVar (database versions not stated): gnomAD 0.00001; TOPMed 0.00001; ExAC 0.00001.
gnomAD v4.1: 50 of 1,613,328 alleles (0.0031%); highest among the groups gnomAD compares: Non-Finnish European, 0.0037%; no homozygotes.

Submissions (3):

Labcorp Genetics (formerly Invitae), Labcorp
Classification: Uncertain significance for Cerebral creatine deficiency syndrome. Last evaluated: 2024-05-15. Review status: criteria provided, single submitter. Criteria: Invitae Variant Classification Sherloc (09022015). Collection method: clinical testing. Allele origin: germline.
Comment: This sequence change replaces arginine, which is basic and polar, with histidine, which is basic and polar, at codon 158 of the GAMT protein (p.Arg158His). This variant is present in population databases (rs750195151, gnomAD 0.004%). This variant has not been reported in the literature in individuals affected with GAMT-related conditions. ClinVar contains an entry for this variant (Variation ID: 478015). Advanced modeling of protein sequence and biophysical properties (such as structural, functional, and spatial information, amino acid conservation, physicochemical variation, residue mobility, and thermodynamic stability) has been performed at Invitae for this missense variant, however the output from this modeling did not meet the statistical confidence thresholds required to predict the impact of this variant on GAMT protein function. In summary, the available evidence is currently insufficient to determine the role of this variant in disease. Therefore, it has been classified as a Variant of Uncertain Significance.

Fulgent Genetics
Classification: Uncertain significance for Deficiency of guanidinoacetate methyltransferase. Last evaluated: 2022-04-01. Review status: criteria provided, single submitter. Criteria: ACMG Guidelines, 2015. Collection method: clinical testing. Allele origin: unknown.

Natera, Inc.
Classification: Uncertain significance for Guanidinoacetate methyltransferase deficiency. Last evaluated: 2019-10-28. Review status: no assertion criteria provided. Collection method: clinical testing. Allele origin: germline. Not counted in ClinVar's aggregate classification.

NM_000156.6(GAMT):c.473G>A (p.Arg158His)

Gene: GAMT (guanidinoacetate N-methyltransferase; minus strand). Cytogenetic location: 19p13.3.
Variant type: single nucleotide variant.
Coding change: c.473G>A on transcript NM_000156.6 (MANE Select); coding-DNA position 473, G replaced by A.
Protein change: p.Arg158His; replaces arginine 158 with histidine.
Molecular consequence: missense variant.
Genome position (GRCh38, 1-based): chr19:1,399,013, C>T on the plus strand (G>A on the coding strand, the complement: GAMT is on the minus strand). VCF-style: chr19-1399013-C-T. GRCh37 (hg19) VCF-style: chr19-1399012-C-T.
Other names: c.473G>A, p.Arg158His (NM_138924.3); short protein forms R158H.
Identifiers: ClinVar variation 478015 (VCV000478015.10), dbSNP rs750195151, ClinGen allele CA9043633.